The following is an entry in ClinVar:

NM_001287491.2(TET3):c.5257_5258delinsCT (p.Glu1753Leu)

Gene: TET3 (tet methylcytosine dioxygenase 3; plus strand). Cytogenetic location: 2p13.1.
Variant type: Indel.
Coding change: c.5257_5258delinsCT on transcript NM_001287491.2 (MANE Select); coding-DNA positions 5257 to 5258, GA replaced by CT.
Protein change: p.Glu1753Leu; replaces glutamic acid 1753 with leucine.
Molecular consequence: missense variant.
Genome position (GRCh38, 1-based): chr2:74,102,045-74,102,046, GA replaced by CT. VCF-style: chr2-74102045-GA-CT. GRCh37 (hg19) VCF-style: chr2-74329172-GA-CT.
Other names: c.4978_4979delinsCT, p.Glu1660Leu (NM_001366022.1); c.4852_4853delGAinsCT, p.Glu1618Leu (NM_144993.1); short protein forms E1660L, E1753L, E1618L.
Identifiers: ClinVar variation 2299836 (VCV002299836.2), dbSNP rs2528203751, ClinGen allele CA2580068179.
Genomic context (GRCh38, chr2:74,102,045, plus strand): 5'-GGCCAGCAGGAGGCCAAGCTCTACGGGAAGAAGCGCAAGTGGGGGGGCACTGTGGTTGCT[GA>CT]GCCCCAGCAGAAAGAGAAGAAGGGGGTCGTCCCCACCCGGCAGGCACTGGCTGTGCCCAC-3'
Protein context (NP_001274420.1, residues 1743-1763): KRKWGGTVVA[Glu1753Leu]PQQKEKKGVV

ClinVar aggregate classification (germline): Uncertain significance (1 of 4 stars; one submission).

Conditions:
Inborn genetic diseases. Identifiers: MedGen C0950123, MeSH D030342.

Submission:

Ambry Genetics
Classification: Uncertain significance for Inborn genetic diseases. Last evaluated: 2022-07-22. Review status: criteria provided, single submitter. Criteria: Ambry Variant Classification Scheme 2023. Collection method: clinical testing. Allele origin: germline.
Comment: The c.4852_4853delGAinsCT () alteration, located in exon 9 (coding exon 9) of the TET3 gene, consists of an in-frame substitution of 2 nucleotides from position 4852 to 4853, resulting in the insertion of <NA> residues. Based on insufficient or conflicting evidence, the clinical significance of this alteration remains unclear.